The following is an entry in ClinVar:

ClinVar aggregate classification (germline): Uncertain significance. Review status: criteria provided, multiple submitters, no conflicts (2 of 4 stars). 5 submissions from 5 submitters: Uncertain significance (5). Last evaluated 2025-07-07.

Conditions:
MYH6-related disorder. Also called: MYH6-Related Disorders; MYH6-related condition.
Cardiovascular phenotype. Identifiers: MedGen CN230736.
Hypertrophic cardiomyopathy 14. Identifiers: MedGen C2750467, MONDO:0013197, OMIM 613251.

Allele frequency attached by ClinVar (database versions not stated): ExAC 0.00001; gnomAD 0.00002; gnomAD exomes 0.00002 and 0.00004; TOPMed 0.00003.
gnomAD v4.1: 65 of 1,613,032 alleles (0.004%); highest among the groups gnomAD compares: South Asian, 0.0088%; no homozygotes.

Submissions (5):

PreventionGenetics, part of Exact Sciences
Classification: Uncertain significance for MYH6-related condition. Last evaluated: 2025-07-07. Review status: criteria provided, single submitter. Criteria: ACMG Guidelines, 2015. Collection method: clinical testing. Allele origin: germline.
Comment: The MYH6 c.934G>A variant is predicted to result in the amino acid substitution p.Ala312Thr. To our knowledge, this variant has not been reported in the literature. This variant is reported in 0.0080% of alleles in individuals of African descent in gnomAD. At this time, the clinical significance of this variant is uncertain due to the absence of conclusive functional and genetic evidence.

Labcorp Genetics (formerly Invitae), Labcorp
Classification: Uncertain significance for Hypertrophic cardiomyopathy 14. Last evaluated: 2024-06-01. Review status: criteria provided, single submitter. Criteria: Invitae Variant Classification Sherloc (09022015). Collection method: clinical testing. Allele origin: germline.
Comment: This sequence change replaces alanine, which is neutral and non-polar, with threonine, which is neutral and polar, at codon 312 of the MYH6 protein (p.Ala312Thr). This variant is present in population databases (rs748143404, gnomAD 0.008%). This variant has not been reported in the literature in individuals affected with MYH6-related conditions. ClinVar contains an entry for this variant (Variation ID: 312880). Advanced modeling of protein sequence and biophysical properties (such as structural, functional, and spatial information, amino acid conservation, physicochemical variation, residue mobility, and thermodynamic stability) performed at Invitae indicates that this missense variant is not expected to disrupt MYH6 protein function with a negative predictive value of 80%. In summary, the available evidence is currently insufficient to determine the role of this variant in disease. Therefore, it has been classified as a Variant of Uncertain Significance.

GeneDx
Classification: Uncertain significance. Last evaluated: 2023-12-20. Review status: criteria provided, single submitter. Criteria: GeneDx Variant Classification Process June 2021. Collection method: clinical testing. Allele origin: germline. Affected: yes.
Comment: Has not been previously published as pathogenic or benign to our knowledge; In silico analysis supports that this missense variant does not alter protein structure/function

Ambry Genetics
Classification: Uncertain significance for Cardiovascular phenotype. Last evaluated: 2023-12-08. Review status: criteria provided, single submitter. Criteria: Ambry Variant Classification Scheme 2023. Collection method: clinical testing. Allele origin: germline.
Comment: The p.A312T variant (also known as c.934G>A), located in coding exon 9 of the MYH6 gene, results from a G to A substitution at nucleotide position 934. The alanine at codon 312 is replaced by threonine, an amino acid with similar properties. This amino acid position is not well conserved in available vertebrate species. In addition, this alteration is predicted to be tolerated by in silico analysis. Since supporting evidence is limited at this time, the clinical significance of this alteration remains unclear.

ARUP Laboratories, Molecular Genetics and Genomics, ARUP Laboratories
Classification: Uncertain significance. Last evaluated: 2022-12-01. Review status: criteria provided, single submitter. Criteria: ARUP Molecular Germline Variant Investigation Process 2024. Collection method: clinical testing. Allele origin: germline.
Comment: The MYH6 c.934G>A; p.Ala312Thr variant (rs748143404), to our knowledge, is not reported in the medical literature but is reported in ClinVar (Variation ID: 312880). This variant is found in the general population with an overall allele frequency of 0.002% (7/282,266 alleles) in the Genome Aggregation Database. The alanine at codon 312 is moderately conserved, and computational analyses are uncertain whether this variant is neutral or deleterious (REVEL: 0.292). Due to limited information, the clinical significance of the p.Ala312Thr variant is uncertain at this time.

NM_002471.4(MYH6):c.934G>A (p.Ala312Thr)

Gene: MYH6 (myosin heavy chain 6; minus strand). Cytogenetic location: 14q11.2.
Variant type: single nucleotide variant.
Coding change: c.934G>A on transcript NM_002471.4 (MANE Select); coding-DNA position 934, G replaced by A.
Protein change: p.Ala312Thr; replaces alanine 312 with threonine.
Molecular consequence: missense variant.
Genome position (GRCh38, 1-based): chr14:23,402,765, C>T on the plus strand (G>A on the coding strand, the complement: MYH6 is on the minus strand). VCF-style: chr14-23402765-C-T. GRCh37 (hg19) VCF-style: chr14-23871974-C-T.
Other names: short protein forms A312T.
Identifiers: ClinVar variation 312880 (VCV000312880.21), dbSNP rs748143404, ClinGen allele CA7115965.